The following is an entry in ClinVar:

NM_001243279.3(ACSF3):c.194G>A (p.Arg65His)

Gene: ACSF3 (acyl-CoA synthetase family member 3; plus strand). Cytogenetic location: 16q24.3.
Variant type: single nucleotide variant.
Coding change: c.194G>A on transcript NM_001243279.3 (MANE Select); coding-DNA position 194, G replaced by A.
Protein change: p.Arg65His; replaces arginine 65 with histidine.
Molecular consequence: missense variant. On other transcripts: non-coding transcript variant (3), intron variant (1).
Genome position (GRCh38, 1-based): chr16:89,100,875, G>A. VCF-style: chr16-89100875-G-A. GRCh37 (hg19) VCF-style: chr16-89167283-G-A.
Other names: c.194G>A, p.Arg65His (NM_001127214.4, NM_174917.5); c.-129-1729G>A (NM_001284316.2); c.194G>A (NM_174917.3); short protein forms R65H.
Identifiers: ClinVar variation 990422 (VCV000990422.3), dbSNP rs745633046, ClinGen allele CA8237571.
Genomic context (GRCh38, chr16:89,100,875, plus strand): 5'-CGGTGTTCACCCGTGCCCTGGCCTTTGGGGACAGAATCGCCCTGGTTGACCAGCACGGCC[G>A]CCACACGTACAGGGAGCTTTATTCCCGCAGCCTTCGCCTGTCCCAGGAGATCTGCAGGCT-3'
Protein context (NP_001230208.1, residues 55-75): DRIALVDQHG[Arg65His]HTYRELYSRS

ClinVar aggregate classification (germline): Conflicting classifications of pathogenicity. Review status: criteria provided, conflicting classifications (1 of 4 stars). 3 submissions from 3 submitters: Uncertain significance (1); Likely benign (1). 1 of the submissions does not count toward it. Last evaluated 2023-10-13.

Conditions:
Inborn genetic diseases. Identifiers: MedGen C0950123, MeSH D030342.
Combined malonic and methylmalonic acidemia. Identifiers: Orphanet 289504, MedGen C3280314, MONDO:0013661, OMIM 614265.
Methylmalonic acidemia (MMA). Also called: Isolated Methylmalonic Acidemia. Identifiers: MedGen C0268583, MeSH C537358, MONDO:0002012, HP:0002912.

Allele frequency attached by ClinVar (database versions not stated): gnomAD exomes 0.00004 and 0.00008; gnomAD 0.00005; TOPMed 0.00005; ExAC 0.00006.
gnomAD v4.1: 62 of 1,613,574 alleles (0.0038%); highest among the groups gnomAD compares: South Asian, 0.026%; no homozygotes.

Submissions (3):

Ambry Genetics
Classification: Likely benign for Inborn genetic diseases. Last evaluated: 2023-10-13. Review status: criteria provided, single submitter. Criteria: Ambry Variant Classification Scheme 2023. Collection method: clinical testing. Allele origin: germline.

Labcorp Genetics (formerly Invitae), Labcorp
Classification: Uncertain significance for Combined malonic and methylmalonic acidemia. Last evaluated: 2022-10-24. Review status: criteria provided, single submitter. Criteria: Invitae Variant Classification Sherloc (09022015). Collection method: clinical testing. Allele origin: germline.
Comment: This sequence change replaces arginine, which is basic and polar, with histidine, which is basic and polar, at codon 65 of the ACSF3 protein (p.Arg65His). This variant is present in population databases (rs745633046, gnomAD 0.03%). This variant has not been reported in the literature in individuals affected with ACSF3-related conditions. ClinVar contains an entry for this variant (Variation ID: 990422). Advanced modeling of protein sequence and biophysical properties (such as structural, functional, and spatial information, amino acid conservation, physicochemical variation, residue mobility, and thermodynamic stability) performed at Invitae indicates that this missense variant is not expected to disrupt ACSF3 protein function. In summary, the available evidence is currently insufficient to determine the role of this variant in disease. Therefore, it has been classified as a Variant of Uncertain Significance.

Natera, Inc.
Classification: Uncertain significance for Methylmalonic acidemia. Last evaluated: 2020-09-29. Review status: no assertion criteria provided. Collection method: clinical testing. Allele origin: germline. Not counted in ClinVar's aggregate classification.